The following is an entry in ClinVar:

ClinVar aggregate classification (germline): Uncertain significance (1 of 4 stars; one submission).

Conditions:
Alport syndrome. Also called: Hemorrhagic familial nephritis; Hemorrhagic hereditary nephritis; Congenital hereditary hematuria. Identifiers: Orphanet 63, MedGen C1567741, MONDO:0018965.

gnomAD v4.1: 1 of 1,614,130 alleles (0.000062%); highest among the groups gnomAD compares: Non-Finnish European, 0.000085%; no homozygotes.

Submission:

Myriad Genetics, Inc.
Classification: Uncertain significance for Alport syndrome. Last evaluated: 2025-12-22. Review status: criteria provided, single submitter. Criteria: Myriad Autosomal Dominant, Autosomal Recessive and X-Linked Classification Criteria (2023). Collection method: clinical testing. Allele origin: unknown.
Comment: NM_000091.4(COL4A3):c.2249G>C(G750A) is a missense variant classified as a variant of uncertain significance in the context of Alport syndrome, COL4A3-related. G750A has not been observed in cases with relevant disease. Relevant functional assessments of this variant are not available in the literature. G750A has not been observed in referenced population frequency databases. In summary, there is insufficient evidence to classify NM_000091.4(COL4A3):c.2249G>C(G750A) as pathogenic or benign. Please note: this variant was assessed in the context of healthy population screening.

NM_000091.5(COL4A3):c.2249G>C (p.Gly750Ala)

Genes: COL4A3 (collagen type IV alpha 3 chain; plus strand), MFF-DT (MFF divergent transcript; minus strand). Cytogenetic location: 2q36.3.
Variant type: single nucleotide variant.
Coding change: c.2249G>C on transcript NM_000091.5 (MANE Select); coding-DNA position 2249, G replaced by C.
Protein change: p.Gly750Ala; replaces glycine 750 with alanine.
Molecular consequence: missense variant.
Genome position (GRCh38, 1-based): chr2:227,280,465, G>C. VCF-style: chr2-227280465-G-C. GRCh37 (hg19) VCF-style: chr2-228145181-G-C.
Other names: short protein forms G750A.
Identifiers: ClinVar variation 5004338 (VCV005004338.1).